The following is an entry in ClinVar:

NM_014362.4(HIBCH):c.365A>G (p.Tyr122Cys)

Gene: HIBCH (3-hydroxyisobutyryl-CoA hydrolase; minus strand). Cytogenetic location: 2q32.2.
Variant type: single nucleotide variant.
Coding change: c.365A>G on transcript NM_014362.4 (MANE Select); coding-DNA position 365, A replaced by G.
Protein change: p.Tyr122Cys; replaces tyrosine 122 with cysteine.
Molecular consequence: missense variant.
Genome position (GRCh38, 1-based): chr2:190,290,425, T>C on the plus strand (A>G on the coding strand, the complement: HIBCH is on the minus strand). VCF-style: chr2-190290425-T-C. GRCh37 (hg19) VCF-style: chr2-191155151-T-C.
Other names: c.365A>G, p.Tyr122Cys (NM_198047.3); short protein forms Y122C.
Identifiers: ClinVar variation 1145 (VCV000001145.26), dbSNP rs121918329, ClinGen allele CA114798.

ClinVar aggregate classification (germline): Conflicting classifications of pathogenicity. Review status: criteria provided, conflicting classifications (1 of 4 stars). 12 submissions from 12 submitters: Pathogenic (4); Likely pathogenic (6); Uncertain significance (1). 1 of the submissions does not count toward it. Last evaluated 2025-11-20.

Conditions:
HIBCH-related disorder. Also called: HIBCH-related condition.
Inborn genetic diseases. Identifiers: MedGen C0950123, MeSH D030342.
3-hydroxyisobutyryl-CoA hydrolase deficiency. Also called: VALINE METABOLIC DEFECT; HIBCH DEFICIENCY; Reduced circulating 3-hydroxyisobutyryl-CoA hydrolase activity; Deficiency of 3-hydroxyisobutyryl CoA hydrolase; METHACRYLIC ACID TOXICITY; METHACRYLIC ACIDURIA. Identifiers: Orphanet 88639, MedGen C0342738, MONDO:0009603, OMIM 250620, HP:6000215.

Allele frequency attached by ClinVar (database versions not stated): gnomAD 0.00001; gnomAD exomes 0.00001 and 0.00006; TOPMed 0.00003; ExAC 0.00006.
gnomAD v4.1: 18 of 1,610,386 alleles (0.0011%); highest among the groups gnomAD compares: Admixed American, 0.022%; no homozygotes.

Submissions (12):

Variantyx, Inc.
Classification: Likely pathogenic for 3-hydroxyisobutyryl-CoA hydrolase deficiency. Last evaluated: 2025-11-20. Review status: criteria provided, single submitter. Criteria: Variantyx Assertion Criteria 2022. Collection method: clinical testing. Allele origin: germline. Inheritance: Autosomal recessive inheritance.
Comment: This is a nonsynonymous variant in the HIBCH gene (OMIM: 610690). Pathogenic variants in this gene have been associated with autosomal recessive 3-hydroxyisobutryl-CoA hydrolase deficiency. This variant has been identified in the homozygous or compound heterozygous state in multiple affected individuals reported in the published literature (PMID: 17160907, 32677093) (PM3). Functional studies have shown that this variant alters HIBCH protein function (PMID: 27896122) (PS3), and multiple computational algorithms predict a deleterious effect for this variant (REVEL score: 0.795) (PP3). This variant has a 0.0217% maximum allele frequency in non-founder control populations (PM2). Based on the current evidence, this variant is classified as likely pathogenic for autosomal recessive 3-hydroxyisobutryl-CoA hydrolase deficiency.

Labcorp Genetics (formerly Invitae), Labcorp
Classification: Pathogenic for 3-hydroxyisobutyryl-CoA hydrolase deficiency. Last evaluated: 2025-07-28. Review status: criteria provided, single submitter. Criteria: Invitae Variant Classification Sherloc (09022015). Collection method: clinical testing. Allele origin: germline.
Comment: This sequence change replaces tyrosine, which is neutral and polar, with cysteine, which is neutral and slightly polar, at codon 122 of the HIBCH protein (p.Tyr122Cys). This variant is present in population databases (rs121918329, gnomAD 0.04%). This missense change has been observed in individual(s) with 3-hydroxyisobutryl-CoA hydrolase deficiency (PMID: 17160907, 32677093, 36200804; external communication). In at least one individual the data is consistent with being in trans (on the opposite chromosome) from a pathogenic variant. ClinVar contains an entry for this variant (Variation ID: 1145). Invitae Evidence Modeling of protein sequence and biophysical properties (such as structural, functional, and spatial information, amino acid conservation, physicochemical variation, residue mobility, and thermodynamic stability) indicates that this missense variant is expected to disrupt HIBCH protein function with a positive predictive value of 80%. Experimental studies have shown that this missense change affects HIBCH function (PMID: 27896122). For these reasons, this variant has been classified as Pathogenic.

3billion
Classification: Likely pathogenic for 3-hydroxyisobutyryl-CoA hydrolase deficiency. Last evaluated: 2025-06-10. Review status: criteria provided, single submitter. Criteria: ACMG Guidelines, 2015. Collection method: clinical testing. Allele origin: germline. Affected: yes.
Comment: The variant is observed at an extremely low frequency in the gnomAD v4.1.0 dataset (total allele frequency: 0.001%). Predicted Consequence/Location: Missense variant Functional studies provide moderate evidence of the variant having a damaging effect on the gene or gene product (PMID: 17160907, 27896122). In silico tool predictions suggest damaging effect of the variant on gene or gene product [REVEL: 0.80 (>=0.6, sensitivity 0.68 and specificity 0.92); 3Cnet: 0.78 (> 0.75, sensitivity 0.96 and precision 0.92)]. The same nucleotide change resulting in the same amino acid change has been previously reported as pathogenic/likely pathogenic with strong evidence (ClinVar ID: VCV000001145 /PMID: 17160907 /3billion dataset). Therefore, this variant is classified as Likely pathogenic according to the recommendation of ACMG/AMP guideline.

Laboratorio de Genetica e Diagnostico Molecular, Hospital Israelita Albert Einstein
Classification: Likely pathogenic for 3-hydroxyisobutyryl-CoA hydrolase deficiency. Last evaluated: 2025-04-14. Review status: criteria provided, single submitter. Criteria: ACMG Guidelines, 2015. Collection method: clinical testing. Allele origin: germline. Affected: yes.
Comment: ACMG classification criteria: PS3 supporting, PM2 supporting, PM3 strong, PP3 supporting

PreventionGenetics, part of Exact Sciences
Classification: Likely pathogenic for HIBCH-related condition. Last evaluated: 2025-02-20. Review status: criteria provided, single submitter. Criteria: ACMG Guidelines, 2015. Collection method: clinical testing. Allele origin: germline.
Comment: The HIBCH c.365A>G variant is predicted to result in the amino acid substitution p.Tyr122Cys. This variant was reported in the homozygous state as well as confirmed in trans with a splicing variant in multiple individuals with HIBCH deficiency (Loupatty et al. 2007. PubMed ID: 17160907; Marti-Sanchez et al. 2020. PubMed ID: 32677093; Casano et al. 2021. PubMed ID: 33552330). This variant is reported in 0.043% of alleles in individuals of Latino descent in gnomAD. This variant is interpreted as likely pathogenic.

Baylor Genetics
Classification: Pathogenic for 3-hydroxyisobutyryl-CoA hydrolase deficiency. Last evaluated: 2023-12-19. Review status: criteria provided, single submitter. Criteria: ACMG Guidelines, 2015. Collection method: clinical testing. Allele origin: unknown.

GeneDx
Classification: Pathogenic. Last evaluated: 2022-09-25. Review status: criteria provided, single submitter. Criteria: GeneDx Variant Classification Process June 2021. Collection method: clinical testing. Allele origin: germline. Affected: yes.
Comment: Published functional studies demonstrate a damaging effect (reduction of enzyme activity) (Loupatty et al., 2007); In silico analysis supports that this missense variant has a deleterious effect on protein structure/function; In silico analysis suggests this variant may impact gene splicing. In the absence of RNA/functional studies, the actual effect of this sequence change is unknown.; This variant is associated with the following publications: (PMID: 27896122, 26717663, 17160907, 31589614, 32677093)

Elsea Laboratory, Baylor College of Medicine
Classification: Uncertain significance for 3-hydroxyisobutyryl-CoA hydrolase deficiency. Last evaluated: 2020-04-01. Review status: criteria provided, single submitter. Criteria: ACMG Guidelines, 2015. Collection method: clinical testing. Allele origin: paternal, maternal.

Ambry Genetics
Classification: Likely pathogenic for Inborn genetic diseases. Last evaluated: 2019-02-08. Review status: criteria provided, single submitter. Criteria: Ambry exome assertion method (8-5-2015). Collection method: clinical testing. Allele origin: germline. Affected: yes. Observed: 2 variant alleles.

SIB Swiss Institute of Bioinformatics
Classification: Likely pathogenic for 3-hydroxyisobutyryl-CoA hydrolase deficiency. Last evaluated: 2018-10-15. Review status: criteria provided, single submitter. Criteria: ACMG Guidelines, 2015. Collection method: curation. Allele origin: germline.
Comment: This variant is interpreted as Likely Pathogenic, for 3-hydroxyisobutryl-CoA hydrolase deficiency, autosomal recessive. The following ACMG Tag(s) were applied: PM2 => Absent from controls (or at extremely low frequency if recessive) in Exome Sequencing Project, 1000 Genomes Project, or Exome Aggregation Consortium. PP3 => Multiple lines of computational evidence support a deleterious effect on the gene or gene product. PS3-Moderate => PS3 downgraded in strength to Moderate. PM3-Supporting => PM3 downgraded in strength to Supporting.

Center for Pediatric Genomic Medicine, Children's Mercy Hospital and Clinics
Classification: Pathogenic. Last evaluated: 2015-09-17. Review status: criteria provided, single submitter. Criteria: ACMG Guidelines, 2015. Collection method: clinical testing. Allele origin: germline.

OMIM
Classification: Pathogenic for 3-HYDROXYISOBUTYRYL-CoA HYDROLASE DEFICIENCY. Last evaluated: 2007-01-01. Review status: no assertion criteria provided. Collection method: literature only. Allele origin: germline. Not counted in ClinVar's aggregate classification.

Literature cited by the submitters: PubMed 27896122 (cited by 4 submitters); PubMed 17160907 (cited by 5 submitters); PubMed 32677093 (cited by Variantyx, Inc. and Labcorp Genetics (formerly Invitae), Labcorp); PubMed 36200804 (cited by Labcorp Genetics (formerly Invitae), Labcorp).